The following is an entry in ClinVar:

ClinVar aggregate classification (germline): Uncertain significance (1 of 4 stars; one submission).

Conditions:
Familial cold autoinflammatory syndrome 3 (FCAS3). Also called: FAMILIAL ATYPICAL COLD URTICARIA; ANTIBODY DEFICIENCY AND IMMUNE DYSREGULATION, PLCG2-ASSOCIATED. Identifiers: Orphanet 300359, MedGen C3280914, MONDO:0013766, OMIM 614468.

Allele frequency attached by ClinVar (database versions not stated): gnomAD exomes below 0.00001; TOPMed below 0.00001; ExAC 0.00001.
gnomAD v4.1: 4 of 1,613,984 alleles (0.00025%); highest among the groups gnomAD compares: East Asian, 0.0022%; no homozygotes.

Submission:

Labcorp Genetics (formerly Invitae), Labcorp
Classification: Uncertain significance for Familial cold autoinflammatory syndrome 3. Last evaluated: 2025-07-09. Review status: criteria provided, single submitter. Criteria: Invitae Variant Classification Sherloc (09022015). Collection method: clinical testing. Allele origin: germline.
Comment: This sequence change replaces cysteine, which is neutral and slightly polar, with tyrosine, which is neutral and polar, at codon 94 of the PLCG2 protein (p.Cys94Tyr). This variant is present in population databases (rs762080942, gnomAD 0.006%). This variant has not been reported in the literature in individuals affected with PLCG2-related conditions. ClinVar contains an entry for this variant (Variation ID: 2158081). An algorithm developed to predict the effect of missense changes on protein structure and function (PolyPhen-2) suggests that this variant is likely to be tolerated. In summary, the available evidence is currently insufficient to determine the role of this variant in disease. Therefore, it has been classified as a Variant of Uncertain Significance.

NM_002661.5(PLCG2):c.281G>A (p.Cys94Tyr)

Gene: PLCG2 (phospholipase C gamma 2; plus strand). Cytogenetic location: 16q23.3.
Variant type: single nucleotide variant.
Coding change: c.281G>A on transcript NM_002661.5 (MANE Select); coding-DNA position 281, G replaced by A.
Protein change: p.Cys94Tyr; replaces cysteine 94 with tyrosine.
Molecular consequence: missense variant.
Genome position (GRCh38, 1-based): chr16:81,854,531, G>A. VCF-style: chr16-81854531-G-A. GRCh37 (hg19) VCF-style: chr16-81888136-G-A.
Other names: short protein forms C94Y.
Identifiers: ClinVar variation 2158081 (VCV002158081.4), dbSNP rs762080942, ClinGen allele CA8193115.